The following is an entry in ClinVar:

ClinVar aggregate classification (germline): Benign/Likely benign. Review status: criteria provided, multiple submitters, no conflicts (2 of 4 stars). 2 submissions from 2 submitters: Benign (1); Likely benign (1). Last evaluated 2025-08-30.

Conditions:
Familial cancer of breast. Also called: hereditary breast carcinoma; BREAST CANCER, FAMILIAL; Hereditary breast cancer. Identifiers: Orphanet 227535, MedGen C0346153, MONDO:0016419, OMIM 114480. Disease mechanism: loss of function.
Hereditary cancer-predisposing syndrome. Also called: Tumor predisposition; Hereditary Cancer Syndrome; Hereditary neoplastic syndrome; Neoplastic Syndromes, Hereditary. Identifiers: Orphanet 140162, MedGen C0027672, MeSH D009386, MONDO:0015356.

Submissions (2):

Ambry Genetics
Classification: Likely benign for Hereditary cancer-predisposing syndrome. Last evaluated: 2025-08-30. Review status: criteria provided, single submitter. Criteria: Ambry Variant Classification Scheme 2023. Collection method: clinical testing. Allele origin: germline.

Myriad Genetics, Inc.
Classification: Benign for Familial cancer of breast. Last evaluated: 2024-06-13. Review status: criteria provided, single submitter. Criteria: Myriad Autosomal Dominant, Autosomal Recessive and X-Linked Classification Criteria (2023). Collection method: clinical testing. Allele origin: unknown.
Comment: This variant is considered benign. This variant is a silent/synonymous amino acid change and it is not expected to impact splicing.

NM_000051.4(ATM):c.7329A>G (p.Arg2443=)

Genes: ATM (ATM serine/threonine kinase; plus strand), C11orf65 (chromosome 11 open reading frame 65; minus strand). Cytogenetic location: 11q22.3.
Variant type: single nucleotide variant.
Coding change: c.7329A>G on transcript NM_000051.4 (MANE Select); coding-DNA position 7329, A replaced by G.
Protein change: p.Arg2443=; no amino-acid change (arginine 2443 retained).
Molecular consequence: synonymous variant. On other transcripts: intron variant (2).
Genome position (GRCh38, 1-based): chr11:108,330,235, A>G. VCF-style: chr11-108330235-A-G. GRCh37 (hg19) VCF-style: chr11-108200962-A-G.
Other names: c.7329A>G, p.Arg2443= (NM_001351834.2); c.641-21164T>C (NM_001330368.2); c.*38+4985T>C (NM_001351110.2).
Identifiers: ClinVar variation 3253885 (VCV003253885.2), dbSNP rs2136453115.